The following is an entry in ClinVar:

ClinVar aggregate classification (germline): Uncertain significance. Review status: criteria provided, multiple submitters, no conflicts (2 of 4 stars). 2 submissions from 2 submitters: Uncertain significance (2). Last evaluated 2024-06-19.

Conditions:
Developmental and epileptic encephalopathy, 82. Also called: EPILEPTIC ENCEPHALOPATHY, EARLY INFANTILE, 82; GLUTAMATE OXALOACETATE TRANSAMINASE, MITOCHONDRIAL, DEFICIENCY OF; GOT2 DEFICIENCY. Identifiers: MedGen C5231473, MONDO:0032880, OMIM 618721.

Allele frequency attached by ClinVar (database versions not stated): ExAC 0.00018; ESP Exome Variant Server 0.00062; 1000 Genomes Project 30x 0.00109; 1000 Genomes Project 0.00120.
gnomAD v4.1: 97 of 1,613,390 alleles (0.006%); highest among the groups gnomAD compares: African/African-American, 0.12%; no homozygotes.

Submissions (2):

Fulgent Genetics
Classification: Uncertain significance for Developmental and epileptic encephalopathy, 82. Last evaluated: 2024-06-19. Review status: criteria provided, single submitter. Criteria: ACMG Guidelines, 2015. Collection method: clinical testing. Allele origin: germline.

Labcorp Genetics (formerly Invitae), Labcorp
Classification: Uncertain significance. Last evaluated: 2022-04-01. Review status: criteria provided, single submitter. Criteria: Invitae Variant Classification Sherloc (09022015). Collection method: clinical testing. Allele origin: germline.
Comment: This sequence change replaces alanine, which is neutral and non-polar, with serine, which is neutral and polar, at codon 89 of the GOT2 protein (p.Ala89Ser). This variant is present in population databases (rs137905758, gnomAD 0.2%). This variant has not been reported in the literature in individuals affected with GOT2-related conditions. Algorithms developed to predict the effect of missense changes on protein structure and function (SIFT, PolyPhen-2, Align-GVGD) all suggest that this variant is likely to be tolerated. In summary, the available evidence is currently insufficient to determine the role of this variant in disease. Therefore, it has been classified as a Variant of Uncertain Significance.

NM_002080.4(GOT2):c.265G>T (p.Ala89Ser)

Gene: GOT2 (glutamic-oxaloacetic transaminase 2; minus strand). Cytogenetic location: 16q21.
Variant type: single nucleotide variant.
Coding change: c.265G>T on transcript NM_002080.4 (MANE Select); coding-DNA position 265, G replaced by T.
Protein change: p.Ala89Ser; replaces alanine 89 with serine.
Molecular consequence: missense variant. On other transcripts: intron variant (1).
Genome position (GRCh38, 1-based): chr16:58,722,260, C>A on the plus strand (G>T on the coding strand, the complement: GOT2 is on the minus strand). VCF-style: chr16-58722260-C-A. GRCh37 (hg19) VCF-style: chr16-58756164-C-A.
Other names: c.246+1486G>T (NM_001286220.2); short protein forms A89S.
Identifiers: ClinVar variation 2072201 (VCV002072201.2), dbSNP rs137905758, ClinGen allele CA8091097.
Genomic context (GRCh38, chr16:58,722,260, plus strand): 5'-ATGCCTTGCAAAATTCAGCCAGTCCCCCAATGGGCAGGTATTCCTTGTCCAAATTTTTTG[C>A]GGCAATCTGGGCCTCTGCCTAGACAAGAGAAAATACATCCATTGAATTTCTTCTCCTTAC-3'
Protein context (NP_002071.2, residues 79-99): SVRKAEAQIA[Ala89Ser]KNLDKEYLPI